The following is an entry in ClinVar:

NM_018979.4(WNK1):c.4798A>G (p.Ile1600Val)

Gene: WNK1 (WNK lysine deficient protein kinase 1; plus strand). Cytogenetic location: 12p13.33.
Variant type: single nucleotide variant.
Coding change: c.4798A>G on transcript NM_018979.4 (MANE Select); coding-DNA position 4798, A replaced by G.
Protein change: p.Ile1600Val; replaces isoleucine 1600 with valine.
Molecular consequence: missense variant.
Genome position (GRCh38, 1-based): chr12:885,602, A>G. VCF-style: chr12-885602-A-G. GRCh37 (hg19) VCF-style: chr12-994768-A-G.
Other names: c.5578A>G, p.Ile1860Val (NM_001184985.2); c.4057A>G, p.Ile1353Val (NM_014823.3); c.5554A>G, p.Ile1852Val (NM_213655.5); short protein forms I1852V, I1353V, I1860V, I1600V.
Identifiers: ClinVar variation 649890 (VCV000649890.7), dbSNP rs975581838, ClinGen allele CA231479416.

ClinVar aggregate classification (germline): Uncertain significance. Review status: criteria provided, multiple submitters, no conflicts (2 of 4 stars). 2 submissions from 2 submitters: Uncertain significance (2). Last evaluated 2026-01-12.

Conditions:
Pseudohypoaldosteronism type 2C (PHA2C). Also called: Pseudohypoaldosteronism Type IIC. Identifiers: Orphanet 757, Orphanet 88940, MedGen C1840391, MONDO:0013778, OMIM 614492.
Neuropathy, hereditary sensory and autonomic, type 2A (HSAN2A). Also called: ACROOSTEOLYSIS, GIACCAI TYPE; ACROOSTEOLYSIS, NEUROGENIC; HSAN IIA; WNK1-Related HSAN2 (HSAN2A); MORVAN DISEASE; NEUROPATHY, CONGENITAL SENSORY. Identifiers: Orphanet 970, MedGen C2752089, MONDO:0024309, OMIM 201300.

Allele frequency attached by ClinVar (database versions not stated): gnomAD exomes 0.00002 and 0.00001; gnomAD 0.00008 and 0.00010; TOPMed 0.00012.
gnomAD v4.1: 32 of 1,614,010 alleles (0.002%); highest among the groups gnomAD compares: African/African-American, 0.04%; no homozygotes.

Submissions (2):

Labcorp Genetics (formerly Invitae), Labcorp
Classification: Uncertain significance for Neuropathy, hereditary sensory and autonomic, type 2A; Pseudohypoaldosteronism type 2C. Last evaluated: 2026-01-12. Review status: criteria provided, single submitter. Criteria: Invitae Variant Classification Sherloc (09022015). Collection method: clinical testing. Allele origin: germline.
Comment: This sequence change replaces isoleucine, which is neutral and non-polar, with valine, which is neutral and non-polar, at codon 1852 of the WNK1 protein (p.Ile1852Val). This variant is present in population databases (no rsID available, gnomAD 0.03%). This variant has not been reported in the literature in individuals affected with WNK1-related conditions. ClinVar contains an entry for this variant (Variation ID: 649890). Invitae Evidence Modeling of protein sequence and biophysical properties (such as structural, functional, and spatial information, amino acid conservation, physicochemical variation, residue mobility, and thermodynamic stability) indicates that this missense variant is not expected to disrupt WNK1 protein function with a negative predictive value of 95%. In summary, the available evidence is currently insufficient to determine the role of this variant in disease. Therefore, it has been classified as a Variant of Uncertain Significance.

Fulgent Genetics
Classification: Uncertain significance for Neuropathy, hereditary sensory and autonomic, type 2A; Pseudohypoaldosteronism type 2C. Last evaluated: 2022-03-16. Review status: criteria provided, single submitter. Criteria: ACMG Guidelines, 2015. Collection method: clinical testing. Allele origin: unknown.